The following is an entry in ClinVar:

NM_000059.4(BRCA2):c.818C>G (p.Ser273Ter)

Gene: BRCA2 (BRCA2 DNA repair associated; plus strand). Cytogenetic location: 13q13.1.
Variant type: single nucleotide variant.
Coding change: c.818C>G on transcript NM_000059.4 (MANE Select); coding-DNA position 818, C replaced by G.
Protein change: p.Ser273Ter; replaces serine 273 with a stop codon.
Molecular consequence: nonsense.
Genome position (GRCh38, 1-based): chr13:32,332,296, C>G. VCF-style: chr13-32332296-C-G. GRCh37 (hg19) VCF-style: chr13-32906433-C-G.
Other names: short protein forms S273*.
Identifiers: ClinVar variation 52524 (VCV000052524.15), dbSNP rs80359068, ClinGen allele CA025502.
Genomic context (GRCh38, chr13:32,332,296, plus strand): 5'-AAAATATTAATGTGCTTCTGTTTTATACTTTAACAGGATTTGGAAAAACATCAGGGAATT[C>G]ATTTAAAGTAAATAGCTGCAAAGACCACATTGGAAAGTCAATGCCAAATGTCCTAGAAGA-3'

ClinVar aggregate classification (germline): Pathogenic. Review status: reviewed by expert panel (3 of 4 stars). 7 submissions from 7 submitters: Pathogenic (1). 6 of the submissions do not count toward it. Last evaluated 2016-09-08.

Conditions:
Inherited breast cancer and ovarian cancer.
Hereditary cancer-predisposing syndrome. Also called: Hereditary neoplastic syndrome; Tumor predisposition; Hereditary Cancer Syndrome; Neoplastic Syndromes, Hereditary. Identifiers: Orphanet 140162, MedGen C0027672, MeSH D009386, MONDO:0015356.
Hereditary breast ovarian cancer syndrome. Also called: Hereditary breast and/or ovarian cancer syndrome; Breast and ovarian cancer; Hereditary breast and ovarian cancer; Hereditary breast and ovarian cancer syndrome (HBOC); Hereditary breast and ovarian cancer syndrome; BRCA1- and BRCA2-Associated Hereditary Breast and Ovarian Cancer. Identifiers: Orphanet 145, MedGen C0677776, MeSH D061325, MONDO:0003582. Disease mechanism: loss of function.
Breast-ovarian cancer, familial, susceptibility to, 2 (BROVCA2). Also called: BRCA2 Hereditary Breast and Ovarian Cancer. Identifiers: Orphanet 145, MedGen C2675520, MONDO:0012933, OMIM 612555. Disease mechanism: loss of function.

Submissions (7):

Evidence-based Network for the Interpretation of Germline Mutant Alleles (ENIGMA)
Classification: Pathogenic for Breast-ovarian cancer, familial, susceptibility to, 2. Last evaluated: 2016-09-08. Review status: reviewed by expert panel. Criteria: ENIGMA BRCA1/2 Classification Criteria (2015). Collection method: curation. Allele origin: germline.
Comment: Variant allele predicted to encode a truncated non-functional protein.

Genetics Laboratory, Great Ormond Street Hospital NHS Foundation Trust, North Thames Genomic Laboratory Hub
Classification: Pathogenic for Inherited breast cancer and ovarian cancer. Last evaluated: 2026-04-22. Review status: criteria provided, single submitter. Criteria: CanVIG BRCA Gene Specific V1.22. Collection method: clinical testing. Allele origin: germline. Affected: yes. Not counted in ClinVar's aggregate classification.
Comment: PM2_moderate, PVS1_very-strong, PM5_strong

Ambry Genetics
Classification: Pathogenic for Hereditary cancer-predisposing syndrome. Last evaluated: 2025-11-07. Review status: criteria provided, single submitter. Criteria: Ambry Variant Classification Scheme 2023. Collection method: clinical testing. Allele origin: germline. Not counted in ClinVar's aggregate classification.
Comment: The p.S273* pathogenic mutation (also known as c.818C>G), located in coding exon 9 of the BRCA2 gene, results from a C to G substitution at nucleotide position 818. This changes the amino acid from a serine to a stop codon within coding exon 9. This variant is considered to be rare based on population cohorts in the Genome Aggregation Database (gnomAD). This alteration is expected to result in loss of function by premature protein truncation or nonsense-mediated mRNA decay. As such, this alteration is interpreted as a disease-causing mutation.

Labcorp Genetics (formerly Invitae), Labcorp
Classification: Pathogenic for Hereditary breast ovarian cancer syndrome. Last evaluated: 2025-07-24. Review status: criteria provided, single submitter. Criteria: Invitae Variant Classification Sherloc (09022015). Collection method: clinical testing. Allele origin: germline. Not counted in ClinVar's aggregate classification.
Comment: This sequence change creates a premature translational stop signal (p.Ser273*) in the BRCA2 gene. It is expected to result in an absent or disrupted protein product. Loss-of-function variants in BRCA2 are known to be pathogenic (PMID: 20104584). This variant is not present in population databases (gnomAD no frequency). This premature translational stop signal has been observed in individual(s) with BRCA2-related conditions (PMID: 10923033). ClinVar contains an entry for this variant (Variation ID: 52524). For these reasons, this variant has been classified as Pathogenic.

GeneDx
Classification: Pathogenic. Last evaluated: 2018-03-23. Review status: criteria provided, single submitter. Criteria: GeneDx Variant Classification (06012015). Collection method: clinical testing. Allele origin: germline. Affected: yes. Not counted in ClinVar's aggregate classification.
Comment: This variant is denoted BRCA2 c.818C>G at the cDNA level and p.Ser273Ter (S273X) at the protein level. The substitution creates a nonsense variant, which changes a Serine to a premature stop codon (TCA>TGA), and is predicted to cause loss of normal protein function through either protein truncation or nonsense-mediated mRNA decay. While this specific variant has not been reported in the literature in association with BRCA2-related cancers, a similar variant resulting the same premature stop, BRCA2 c.818C>A (p.Ser273Ter), has been identified in at least one breast and/or ovarian cancer family (Meyer 2003). BRCA2 Ser273Ter is considered pathogenic.

Consortium of Investigators of Modifiers of BRCA1/2 (CIMBA), c/o University of Cambridge
Classification: Pathogenic for Breast-ovarian cancer, familial, susceptibility to, 2. Last evaluated: 2015-10-02. Review status: criteria provided, single submitter. Criteria: CIMBA Mutation Classification guidelines May 2016. Collection method: clinical testing. Allele origin: germline. Not counted in ClinVar's aggregate classification.

Breast Cancer Information Core (BIC) (BRCA2)
Classification: Pathogenic for Breast-ovarian cancer, familial 2. Last evaluated: 2002-05-29. Review status: no assertion criteria provided. Collection method: clinical testing. Allele origin: germline. Affected: yes. Observed: 1 variant allele. Not counted in ClinVar's aggregate classification.

Literature cited by the submitters: PubMed 20104584 (cited by Labcorp Genetics (formerly Invitae), Labcorp); PubMed 10923033 (cited by Labcorp Genetics (formerly Invitae), Labcorp).